The following is an entry in ClinVar:

ClinVar aggregate classification (germline): Likely benign. Review status: criteria provided, single submitter (1 of 4 stars). 2 submissions from 2 submitters: Likely benign (1). 1 of the submissions does not count toward it. Last evaluated 2017-11-18.

Conditions:
COX20-related disorder. Also called: COX20-related condition.

Allele frequency attached by ClinVar (database versions not stated): ExAC 0.00001; gnomAD 0.00001; gnomAD exomes 0.00001 and 0.00003; TOPMed 0.00002.
gnomAD v4.1: 43 of 1,593,070 alleles (0.0027%); highest among the groups gnomAD compares: Non-Finnish European, 0.0036%; no homozygotes.

Submissions (2):

Labcorp Genetics (formerly Invitae), Labcorp
Classification: Likely benign. Last evaluated: 2017-11-18. Review status: criteria provided, single submitter. Criteria: Invitae Variant Classification Sherloc (09022015). Collection method: clinical testing. Allele origin: germline.

PreventionGenetics, part of Exact Sciences
Classification: Likely benign for COX20-related condition. Last evaluated: 2020-03-09. Review status: no assertion criteria provided. Collection method: clinical testing. Allele origin: germline. Not counted in ClinVar's aggregate classification.
Comment: This variant is classified as likely benign based on ACMG/AMP sequence variant interpretation guidelines (Richards et al. 2015 PMID: 25741868, with internal and published modifications).

NM_198076.6(COX20):c.327A>G (p.Glu109=)

Gene: COX20 (cytochrome c oxidase assembly factor COX20; plus strand). Cytogenetic location: 1q44.
Variant type: single nucleotide variant.
Coding change: c.327A>G on transcript NM_198076.6 (MANE Select); coding-DNA position 327, A replaced by G.
Protein change: p.Glu109=; no amino-acid change (glutamic acid 109 retained).
Molecular consequence: synonymous variant. On other transcripts: 3 prime UTR variant (1), non-coding transcript variant (3).
Genome position (GRCh38, 1-based): chr1:244,843,146, A>G. VCF-style: chr1-244843146-A-G. GRCh37 (hg19) VCF-style: chr1-245006448-A-G.
Other names: c.327A>G, p.Glu109= (NM_001312871.1); c.363A>G, p.Glu121= (NM_001312872.1); c.192A>G, p.Glu64= (NM_001312873.1); c.*137A>G (NM_001312874.1).
Identifiers: ClinVar variation 734052 (VCV000734052.5), dbSNP rs749004480, ClinGen allele CA1486197.